The following is an entry in ClinVar:

NM_000535.7(PMS2):c.2058T>C (p.Phe686=)

Gene: PMS2 (PMS1 homolog 2, mismatch repair system component; minus strand). Cytogenetic location: 7p22.1.
Variant type: single nucleotide variant.
Coding change: c.2058T>C on transcript NM_000535.7 (MANE Select); coding-DNA position 2058, T replaced by C.
Protein change: p.Phe686=; no amino-acid change (phenylalanine 686 retained).
Molecular consequence: synonymous variant. On other transcripts: non-coding transcript variant (1).
Genome position (GRCh38, 1-based): chr7:5,982,940, A>G on the plus strand (T>C on the coding strand, the complement: PMS2 is on the minus strand). VCF-style: chr7-5982940-A-G. GRCh37 (hg19) VCF-style: chr7-6022571-A-G.
Other names: c.1653T>C, p.Phe551= (NM_001322003.2, NM_001322004.2, NM_001322005.2 and 1 more transcripts); c.1902T>C, p.Phe634= (NM_001322006.2); c.1740T>C, p.Phe580= (NM_001322007.2, NM_001322008.2); c.1497T>C, p.Phe499= (NM_001322010.2); c.1125T>C, p.Phe375= (NM_001322011.2, NM_001322012.2); c.1485T>C, p.Phe495= (NM_001322013.2); c.2058T>C, p.Phe686= (NM_001322014.2); c.1749T>C, p.Phe583= (NM_001322015.2).
Identifiers: ClinVar variation 1674222 (VCV001674222.9), dbSNP rs2128704052, ClinGen allele CA453643438.
Genomic context (GRCh38, chr7:5,982,940, plus strand): 5'-CTTCTCGTCCGTGGCATGCTGGTCCACTATGAAGATATCCTCATTCAGTTTGGTTATTAT[A>G]AATCCCAGGTTAAACTGACCAATGATTTCCATTTCTGCAAACATCGTTTTACTGCAGGTA-3'
Protein context (NP_000526.2, residues 676-696): MEIIGQFNLG[Phe686=]IITKLNEDIF

ClinVar aggregate classification (germline): Benign/Likely benign. Review status: criteria provided, multiple submitters, no conflicts (2 of 4 stars). 2 submissions from 2 submitters: Benign (1); Likely benign (1). Last evaluated 2025-02-03.

Conditions:
Lynch syndrome 4 (LYNCH4). Also called: Hereditary non-polyposis colorectal cancer, type 4; Colorectal cancer, hereditary nonpolyposis, type 4. Identifiers: Orphanet 144, MedGen C1838333, MONDO:0013699, OMIM 614337. Disease mechanism: loss of function.
Hereditary nonpolyposis colorectal neoplasms. Identifiers: MedGen C0009405, MeSH D003123.

Submissions (2):

Myriad Genetics, Inc.
Classification: Benign for Lynch syndrome 4. Last evaluated: 2025-02-03. Review status: criteria provided, single submitter. Criteria: Myriad Autosomal Dominant, Autosomal Recessive and X-Linked Classification Criteria (2023). Collection method: clinical testing. Allele origin: unknown.
Comment: This variant is considered benign. This variant is a silent/synonymous amino acid change and it is not expected to impact splicing.

Labcorp Genetics (formerly Invitae), Labcorp
Classification: Likely benign for Hereditary nonpolyposis colorectal neoplasms. Last evaluated: 2023-03-17. Review status: criteria provided, single submitter. Criteria: Invitae Variant Classification Sherloc (09022015). Collection method: clinical testing. Allele origin: germline.